The following is an entry in ClinVar:

ClinVar aggregate classification (germline): Uncertain significance. Review status: criteria provided, multiple submitters, no conflicts (2 of 4 stars). 5 submissions from 5 submitters: Uncertain significance (4). 1 of the submissions does not count toward it. Last evaluated 2026-01-25.

Conditions:
Cystic fibrosis (CF). Also called: MUCOVISCIDOSIS. Identifiers: Orphanet 586, MedGen C0010674, MONDO:0009061, OMIM 219700. Disease mechanism: loss of function.

Allele frequency attached by ClinVar (database versions not stated): gnomAD exomes 0.00001 and 0.00006; gnomAD 0.00002 and 0.00003; TOPMed 0.00002; ExAC 0.00007; 1000 Genomes Project 30x 0.00016; 1000 Genomes Project 0.00020.
gnomAD v4.1: 19 of 1,612,198 alleles (0.0012%); highest among the groups gnomAD compares: East Asian, 0.042%; no homozygotes.

Submissions (5):

Labcorp Genetics (formerly Invitae), Labcorp
Classification: Uncertain significance for Cystic fibrosis. Last evaluated: 2026-01-25. Review status: criteria provided, single submitter. Criteria: Invitae Variant Classification Sherloc (09022015). Collection method: clinical testing. Allele origin: germline.
Comment: This sequence change replaces serine, which is neutral and polar, with cysteine, which is neutral and slightly polar, at codon 485 of the CFTR protein (p.Ser485Cys). This variant is present in population databases (rs138427145, gnomAD 0.08%). This missense change has been observed in individual(s) with CFTR-related conditions (PMID: 22483971, 32777524). ClinVar contains an entry for this variant (Variation ID: 53258). Invitae Evidence Modeling of protein sequence and biophysical properties (such as structural, functional, and spatial information, amino acid conservation, physicochemical variation, residue mobility, and thermodynamic stability) indicates that this missense variant is expected to disrupt CFTR protein function with a positive predictive value of 80%. In summary, the available evidence is currently insufficient to determine the role of this variant in disease. Therefore, it has been classified as a Variant of Uncertain Significance.

Ambry Genetics
Classification: Uncertain significance for Cystic fibrosis. Last evaluated: 2024-11-22. Review status: criteria provided, single submitter. Criteria: Ambry Variant Classification Scheme 2023. Collection method: clinical testing. Allele origin: germline.
Comment: The p.S485C variant (also known as c.1453A>T), located in coding exon 11 of the CFTR gene, results from an A to T substitution at nucleotide position 1453. The serine at codon 485 is replaced by cysteine, an amino acid with dissimilar properties. This variant was identified in multiple individuals with congenital absence of the vas deferens; in one individual it was detected in conjunction with the 5T allele, but the phase was not provided (Li H et al. J. Cyst. Fibros. 2012 Jul; 11(4):316-23; Lu S et al. Urology, 2013 Oct; 82(4):824-8). In addition, this alteration is predicted to be deleterious by in silico analysis. Based on the available evidence, the clinical significance of this variant remains unclear.

Blueprint Genetics
Classification: Uncertain significance. Last evaluated: 2023-07-12. Review status: criteria provided, single submitter. Criteria: ACMG Guidelines, 2015. Collection method: clinical testing. Allele origin: germline.

Women's Health and Genetics/Laboratory Corporation of America, LabCorp
Classification: Uncertain significance. Last evaluated: 2023-06-16. Review status: criteria provided, single submitter. Criteria: LabCorp Variant Classification Summary - May 2015. Collection method: clinical testing. Allele origin: germline.
Comment: Variant summary: CFTR c.1453A>T (p.Ser485Cys) results in a non-conservative amino acid change located in the ATP-binding domain (IPR003439) of the encoded protein sequence. Five of five in-silico tools predict a damaging effect of the variant on protein function. The variant allele was found at a frequency of 5.6e-05 in 251344 control chromosomes, predominantly at a frequency of 0.00076 within the East Asian subpopulation in the gnomAD database. This frequency is not significantly higher than estimated for a pathogenic variant in CFTR causing Cystic Fibrosis (5.6e-05 vs 0.013), allowing no conclusion about variant significance. c.1453A>T has been reported in the literature in affected individuals of East Asian ethnicity, predominantly in individuals affected with CBAVD (e.g., Li_2012, Lu_2013, Lu_2014, Luo_2021), but also in individuals with bronchiectasis (e.g., Schrijver_2008; SickKids database) and nontuberculous mycobacteria lung disease (e.g., Jang_2013). However, there was not strong evidence for causality in any of these cases (e.g., lack of co-segregation and co-occurence data as well as uninformative genotypes). These reports therefore do not provide unequivocal conclusions about association of the variant with Cystic Fibrosis. To our knowledge, no experimental evidence demonstrating an impact on protein function has been reported. The following publications have been ascertained in the context of this evaluation (PMID: 23514810, 22483971, 24559724, 23953609, 32777524, 35313924, 18556774). Three clinical diagnostic laboratories have submitted clinical-significance assessments for this variant to ClinVar after 2014 , and all laboratories classified the variant as uncertain significance. Based on the evidence outlined above, the variant was classified as uncertain significance.

Counsyl
Classification: Uncertain significance for Cystic fibrosis. Last evaluated: 2017-04-05. Review status: no assertion criteria provided. Collection method: clinical testing. Allele origin: unknown. Not counted in ClinVar's aggregate classification.

Literature cited by the submitters: PubMed 22483971 (cited by 3 submitters); PubMed 32777524 (cited by Labcorp Genetics (formerly Invitae), Labcorp and Women's Health and Genetics/Laboratory Corporation of America, LabCorp); PubMed 23953609 (cited by Ambry Genetics and Women's Health and Genetics/Laboratory Corporation of America, LabCorp); PubMed 29216686 (cited by Ambry Genetics); PubMed 18556774 (cited by Women's Health and Genetics/Laboratory Corporation of America, LabCorp); PubMed 23514810 (cited by Women's Health and Genetics/Laboratory Corporation of America, LabCorp); PubMed 35313924 (cited by Women's Health and Genetics/Laboratory Corporation of America, LabCorp); PubMed 24559724 (cited by Women's Health and Genetics/Laboratory Corporation of America, LabCorp).

NM_000492.4(CFTR):c.1453A>T (p.Ser485Cys)

Genes: CFTR (CF transmembrane conductance regulator; plus strand), CFTR-AS1 (CFTR antisense RNA 1; minus strand). Cytogenetic location: 7q31.2.
Variant type: single nucleotide variant.
Coding change: c.1453A>T on transcript NM_000492.4 (MANE Select); coding-DNA position 1453, A replaced by T.
Protein change: p.Ser485Cys; replaces serine 485 with cysteine.
Molecular consequence: missense variant.
Genome position (GRCh38, 1-based): chr7:117,559,524, A>T. VCF-style: chr7-117559524-A-T. GRCh37 (hg19) VCF-style: chr7-117199578-A-T.
Other names: short protein forms S485C.
Identifiers: ClinVar variation 53258 (VCV000053258.12), dbSNP rs138427145, ClinGen allele CA326491.